The following is an entry in ClinVar:

NM_000132.4(F8):c.4870G>T (p.Glu1624Ter)

Gene: F8 (coagulation factor VIII; minus strand). Cytogenetic location: Xq28.
Variant type: single nucleotide variant.
Coding change: c.4870G>T on transcript NM_000132.4 (MANE Select); coding-DNA position 4870, G replaced by T.
Protein change: p.Glu1624Ter; replaces glutamic acid 1624 with a stop codon.
Molecular consequence: nonsense.
Genome position (GRCh38, 1-based): chrX:154,928,920, C>A on the plus strand (G>T on the coding strand, the complement: F8 is on the minus strand). VCF-style: chrX-154928920-C-A. GRCh37 (hg19) VCF-style: chrX-154157195-C-A.
Other names: short protein forms E1624*.
Identifiers: ClinVar variation 811363 (VCV000811363.8), dbSNP rs1603433733, ClinGen allele CA414915566.

ClinVar aggregate classification (germline): Pathogenic (1 of 4 stars; one submission).

Conditions:
Hereditary factor VIII deficiency disease (HEMA). Also called: AUTOSOMAL HEMOPHILIA A; Hemophilia A; HEMOPHILIA, CLASSIC; Hemophilia A, congenital; HEM A; Factor 8 deficiency, congenital. Identifiers: Orphanet 98878, MedGen C0019069, MONDO:0010602, OMIM 306700.

Submission:

ARUP Laboratories, Molecular Genetics and Genomics, ARUP Laboratories
Classification: Pathogenic for Hereditary factor VIII deficiency disease. Last evaluated: 2019-03-19. Review status: criteria provided, single submitter. Criteria: ARUP Molecular Germline Variant Investigation Process. Collection method: clinical testing. Allele origin: germline.
Comment: The F8 c.4870G>T; p.Glu1624Ter, to our knowledge, is not reported in the medical literature or gene-specific databases. However, several other variants that introduce a premature termination codon in this region are described as pathogenic in the ClinVar database (see link below). The c.4870G>T; p.Glu1624Ter variant is also absent from general population databases (1000 Genomes Project, Exome Variant Server, and Genome Aggregation Database), indicating it is not a common polymorphism. This variant induces an early termination codon and is predicted to result in a truncated protein or mRNA subject to nonsense-mediated decay. Considering available information, this variant is classified as pathogenic. References: Link to F8 in ClinVar